The following is an entry in ClinVar:

ClinVar aggregate classification (germline): Likely benign. Review status: criteria provided, multiple submitters, no conflicts (2 of 4 stars). 2 submissions from 2 submitters: Likely benign (2). Last evaluated 2023-12-28.

Conditions:
RYR1-related disorder. Also called: RYR1-related condition; RYR1-related disorders. Identifiers: MedGen CN239331.

Allele frequency attached by ClinVar (database versions not stated): gnomAD 0.00001; TOPMed 0.00001; ExAC 0.00002.
gnomAD v4.1: 3 of 1,614,016 alleles (0.00019%); highest among the groups gnomAD compares: African/African-American, 0.004%; no homozygotes.

Submissions (2):

Labcorp Genetics (formerly Invitae), Labcorp
Classification: Likely benign for RYR1-related disorder. Last evaluated: 2023-12-28. Review status: criteria provided, single submitter. Criteria: Invitae Variant Classification Sherloc (09022015). Collection method: clinical testing. Allele origin: germline.

GeneDx
Classification: Likely benign. Last evaluated: 2018-04-09. Review status: criteria provided, single submitter. Criteria: GeneDx Variant Classification (06012015). Collection method: clinical testing. Allele origin: germline. Affected: yes.
Comment: This variant is considered likely benign or benign based on one or more of the following criteria: it is a conservative change, it occurs at a poorly conserved position in the protein, it is predicted to be benign by multiple in silico algorithms, and/or has population frequency not consistent with disease.

NM_000540.3(RYR1):c.10908C>T (p.Phe3636=)

Gene: RYR1 (ryanodine receptor 1; plus strand). Cytogenetic location: 19q13.2.
Variant type: single nucleotide variant.
Coding change: c.10908C>T on transcript NM_000540.3 (MANE Select); coding-DNA position 10908, C replaced by T.
Protein change: p.Phe3636=; no amino-acid change (phenylalanine 3636 retained).
Molecular consequence: synonymous variant.
Genome position (GRCh38, 1-based): chr19:38,528,389, C>T. VCF-style: chr19-38528389-C-T. GRCh37 (hg19) VCF-style: chr19-39019029-C-T.
Other names: c.10893C>T, p.Phe3631= (NM_001042723.2).
Identifiers: ClinVar variation 681573 (VCV000681573.5), dbSNP rs375330731, ClinGen allele CA055175.